The following is an entry in ClinVar:

NM_001128178.3(NPHP1):c.1390G>T (p.Glu464Ter)

Gene: NPHP1 (nephrocystin 1; minus strand). Cytogenetic location: 2q13.
Variant type: single nucleotide variant.
Coding change: c.1390G>T on transcript NM_001128178.3 (MANE Select); coding-DNA position 1390, G replaced by T.
Protein change: p.Glu464Ter; replaces glutamic acid 464 with a stop codon.
Molecular consequence: nonsense.
Genome position (GRCh38, 1-based): chr2:110,144,532, C>A on the plus strand (G>T on the coding strand, the complement: NPHP1 is on the minus strand). VCF-style: chr2-110144532-C-A. GRCh37 (hg19) VCF-style: chr2-110902109-C-A.
Other names: c.1558G>T, p.Glu520Ter (NM_000272.5); c.1201G>T, p.Glu401Ter (NM_001128179.3); c.1387G>T, p.Glu463Ter (NM_001374256.1); c.1390G>T, p.Glu464Ter (NM_001374257.1); c.1555G>T, p.Glu519Ter (NM_207181.4); short protein forms E519*, E401*, E464*, E520*, E463*.
Identifiers: ClinVar variation 965173 (VCV000965173.9), dbSNP rs764740388, ClinGen allele CA1827034.
Genomic context (GRCh38, chr2:110,144,532, plus strand): 5'-GACAACACATGAGAGCCATACCTCTTCTGGATATTGAAGGGTCCACTTCAATACCTTTTT[C>A]ATAAGGAGTACCACCATTCAAGAAAAGCTCATAAGTTCTATAAAAGAATAACATACAATG-3'

ClinVar aggregate classification (germline): Pathogenic/Likely pathogenic. Review status: criteria provided, multiple submitters, no conflicts (2 of 4 stars). 2 submissions from 2 submitters: Pathogenic (1); Likely pathogenic (1). Last evaluated 2026-01-28.

Conditions:
Nephronophthisis. Also called: Juvenile Nephronophthisis. Identifiers: Orphanet 655, MedGen C0687120, MONDO:0019005, HP:0000090.
NPHP1-related disorder. Also called: NPHP1-related disorders; NPHP1-related condition.

Allele frequency attached by ClinVar (database versions not stated): gnomAD exomes below 0.00001 and 0.00001; ExAC 0.00001.
gnomAD v4.1: 2 of 1,606,426 alleles (0.00012%); highest among the groups gnomAD compares: Admixed American, 0.0033%; no homozygotes.

Submissions (2):

PreventionGenetics, part of Exact Sciences
Classification: Likely pathogenic for NPHP1-related condition. Last evaluated: 2026-01-28. Review status: criteria provided, single submitter. Criteria: ACMG Guidelines, 2015. Collection method: clinical testing. Allele origin: germline.
Comment: The NPHP1 c.1558G>T variant is predicted to result in premature protein termination (p.Glu520*). To our knowledge, this variant has not been reported in the literature in association with disease. This variant is present in 0.0058% of alleles in individuals of Latino descent in gnomAD, and has been reported in a carrier screen of the general population (Hanany et al. 2020. PubMed ID: 31964843). Nonsense variants in NPHP1 are an established mechanism of disease. This variant is interpreted as likely pathogenic.

Labcorp Genetics (formerly Invitae), Labcorp
Classification: Pathogenic for Nephronophthisis. Last evaluated: 2025-04-07. Review status: criteria provided, single submitter. Criteria: Invitae Variant Classification Sherloc (09022015). Collection method: clinical testing. Allele origin: germline.
Comment: This sequence change creates a premature translational stop signal (p.Glu520*) in the NPHP1 gene. It is expected to result in an absent or disrupted protein product. Loss-of-function variants in NPHP1 are known to be pathogenic (PMID: 23559409). This variant is present in population databases (rs764740388, gnomAD 0.006%). This variant has not been reported in the literature in individuals affected with NPHP1-related conditions. ClinVar contains an entry for this variant (Variation ID: 965173). Algorithms developed to predict the effect of sequence changes on RNA splicing suggest that this variant may disrupt the consensus splice site. For these reasons, this variant has been classified as Pathogenic.

Literature cited by the submitters: PubMed 23559409 (cited by Labcorp Genetics (formerly Invitae), Labcorp).